The following is an entry in ClinVar:

NM_001112726.3(CEP170B):c.1425G>T (p.Arg475=)

Gene: CEP170B (centrosomal protein 170B; plus strand). Cytogenetic location: 14q32.33.
Variant type: single nucleotide variant.
Coding change: c.1425G>T on transcript NM_001112726.3 (MANE Select); coding-DNA position 1425, G replaced by T.
Protein change: p.Arg475=; no amino-acid change (arginine 475 retained).
Molecular consequence: synonymous variant.
Genome position (GRCh38, 1-based): chr14:104,884,204, G>T. VCF-style: chr14-104884204-G-T. GRCh37 (hg19) VCF-style: chr14-105350541-G-T.
Other names: c.1215G>T, p.Arg405= (NM_015005.3).
Identifiers: ClinVar variation 3058761 (VCV003058761.2), dbSNP rs1896323623, ClinGen allele CA488718083.

ClinVar aggregate classification (germline): Likely benign (0 of 4 stars; one submission).

Conditions:
CEP170B-related disorder. Also called: CEP170B-related condition.

Allele frequency attached by ClinVar (database versions not stated): TOPMed 0.00001.
gnomAD v4.1: 6 of 1,544,274 alleles (0.00039%); highest among the groups gnomAD compares: Non-Finnish European, 0.00052%; no homozygotes.

Submission:

PreventionGenetics, part of Exact Sciences
Classification: Likely benign for CEP170B-related condition. Last evaluated: 2019-04-15. Review status: no assertion criteria provided. Collection method: clinical testing. Allele origin: germline.
Comment: This variant is classified as likely benign based on ACMG/AMP sequence variant interpretation guidelines (Richards et al. 2015 PMID: 25741868, with internal and published modifications).